The following is an entry in ClinVar:

ClinVar aggregate classification (germline): Uncertain significance (1 of 4 stars; one submission).

gnomAD v4.1: 1 of 1,613,904 alleles (0.000062%); highest among the groups gnomAD compares: African/African-American, 0.0013%; no homozygotes.

Submission:

GeneDx
Classification: Uncertain significance. Last evaluated: 2024-09-29. Review status: criteria provided, single submitter. Criteria: GeneDx Variant Classification Process June 2021. Collection method: clinical testing. Allele origin: germline. Affected: yes.
Comment: Not observed at significant frequency in large population cohorts (gnomAD); In silico analysis supports that this missense variant has a deleterious effect on protein structure/function; Has not been previously published as pathogenic or benign to our knowledge

NM_030948.6(PHACTR1):c.382A>G (p.Lys128Glu)

Gene: PHACTR1 (phosphatase and actin regulator 1; plus strand). Cytogenetic location: 6p24.1.
Variant type: single nucleotide variant.
Coding change: c.382A>G on transcript NM_030948.6 (MANE Select); coding-DNA position 382, A replaced by G.
Protein change: p.Lys128Glu; replaces lysine 128 with glutamic acid.
Molecular consequence: missense variant.
Genome position (GRCh38, 1-based): chr6:13,053,496, A>G. VCF-style: chr6-13053496-A-G. GRCh37 (hg19) VCF-style: chr6-13053728-A-G.
Other names: c.382A>G, p.Lys128Glu (NM_001242648.4, NM_001322308.3, NM_001322309.3 and 3 more transcripts); c.106A>G, p.Lys36Glu (NM_001322311.2, NM_001322312.3, NM_001322313.2 and 1 more transcripts); c.385A>G, p.Lys129Glu (NM_001322314.4); short protein forms K128E, K129E, K36E.
Identifiers: ClinVar variation 3776532 (VCV003776532.1).